The following is an entry in ClinVar:

ClinVar aggregate classification (germline): Uncertain significance (1 of 4 stars; one submission).

Conditions:
BSN-related disorder. Also called: BSN-related condition.

Submission:

PreventionGenetics, part of Exact Sciences
Classification: Uncertain significance for BSN-related condition. Last evaluated: 2025-10-21. Review status: criteria provided, single submitter. Criteria: ACMG Guidelines, 2015. Collection method: clinical testing. Allele origin: germline.
Comment: The BSN c.10108T>A variant is predicted to result in the amino acid substitution p.Ser3370Thr. To our knowledge, this variant has not been reported in the literature or in a large population database (gnomAD), indicating this variant is rare. At this time, the clinical significance of this variant is uncertain due to the absence of conclusive functional and genetic evidence.

NM_003458.4(BSN):c.10108T>A (p.Ser3370Thr)

Gene: BSN (bassoon presynaptic cytomatrix protein; plus strand). Cytogenetic location: 3p21.31.
Variant type: single nucleotide variant.
Coding change: c.10108T>A on transcript NM_003458.4 (MANE Select); coding-DNA position 10108, T replaced by A.
Protein change: p.Ser3370Thr; replaces serine 3370 with threonine.
Molecular consequence: missense variant.
Genome position (GRCh38, 1-based): chr3:49,661,953, T>A. VCF-style: chr3-49661953-T-A. GRCh37 (hg19) VCF-style: chr3-49699386-T-A.
Other names: short protein forms S3370T.
Identifiers: ClinVar variation 4992185 (VCV004992185.1).